The following is an entry in ClinVar:

ClinVar aggregate classification (germline): Uncertain significance (1 of 4 stars; one submission).

Submission:

GeneDx
Classification: Uncertain significance. Last evaluated: 2025-03-13. Review status: criteria provided, single submitter. Criteria: GeneDx Variant Classification Process June 2021. Collection method: clinical testing. Allele origin: germline. Affected: yes.
Comment: Not observed at significant frequency in large population cohorts (gnomAD); In silico analysis supports that this missense variant has a deleterious effect on protein structure/function; Has not been previously published as pathogenic or benign to our knowledge

NM_000540.3(RYR1):c.11981T>C (p.Val3994Ala)

Gene: RYR1 (ryanodine receptor 1; plus strand). Cytogenetic location: 19q13.2.
Variant type: single nucleotide variant.
Coding change: c.11981T>C on transcript NM_000540.3 (MANE Select); coding-DNA position 11981, T replaced by C.
Protein change: p.Val3994Ala; replaces valine 3994 with alanine.
Molecular consequence: missense variant.
Genome position (GRCh38, 1-based): chr19:38,543,844, T>C. VCF-style: chr19-38543844-T-C. GRCh37 (hg19) VCF-style: chr19-39034484-T-C.
Other names: c.11966T>C, p.Val3989Ala (NM_001042723.2); short protein forms V3989A, V3994A.
Identifiers: ClinVar variation 4086549 (VCV004086549.1).